The following is an entry in ClinVar:

NM_001267550.2(TTN):c.30283G>A (p.Ala10095Thr)

Gene: TTN (titin; minus strand). Cytogenetic location: 2q31.2.
Variant type: single nucleotide variant.
Coding change: c.30283G>A on transcript NM_001267550.2 (MANE Select); coding-DNA position 30283, G replaced by A.
Protein change: p.Ala10095Thr; replaces alanine 10095 with threonine.
Molecular consequence: missense variant. On other transcripts: intron variant (3).
Genome position (GRCh38, 1-based): chr2:178,702,604, C>T on the plus strand (G>A on the coding strand, the complement: TTN is on the minus strand). VCF-style: chr2-178702604-C-T. GRCh37 (hg19) VCF-style: chr2-179567331-C-T.
Other names: c.29332G>A, p.Ala9778Thr (NM_001256850.1); c.26551G>A, p.Ala8851Thr (NM_133378.4); c.13282+35478G>A (NM_003319.4); c.13858+35478G>A (NM_133437.4); c.13657+35478G>A (NM_133432.3); short protein forms A10095T, A8851T, A9778T.
Identifiers: ClinVar variation 238738 (VCV000238738.34), dbSNP rs201635835, ClinGen allele CA1999195.
Genomic context (GRCh38, chr2:178,702,604, plus strand): 5'-TTGGTCCTTTGTACCATGTTACAATGGCATCATCAAAGGACACTTCACACTCAAAGGTGG[C>T]AGACTGATGCTCACTCACCACGATGTTCTGTATGCGCTTTGTAAACTGAATTGGTTCAGC-3'
Protein context (NP_001254479.2, residues 10085-10105): QNIVVSEHQS[Ala10095Thr]TFECEVSFDD

ClinVar aggregate classification (germline): Conflicting classifications of pathogenicity. Review status: criteria provided, conflicting classifications (1 of 4 stars). 8 submissions from 8 submitters: Uncertain significance (5); Likely benign (3). Last evaluated 2025-04-09.

Conditions:
Dilated cardiomyopathy 1G (CMD1G). Identifiers: Orphanet 154, MedGen C1858763, MONDO:0011400, OMIM 604145.
Autosomal recessive limb-girdle muscular dystrophy type 2J (LGMDR10). Also called: Limb-girdle muscular dystrophy, type 2J; MUSCULAR DYSTROPHY, LIMB-GIRDLE, AUTOSOMAL RECESSIVE 10. Identifiers: Orphanet 140922, MedGen C1837342, MONDO:0012127, OMIM 608807.
Cardiomyopathy (CMYO). Also called: Cardiomyopathies. Identifiers: Orphanet 167848, MedGen C0878544, MONDO:0004994, HP:0001638. Inheritance: Various modes of inheritance.

Allele frequency attached by ClinVar (database versions not stated): ExAC 0.00002; gnomAD 0.00004 and 0.00005; gnomAD exomes 0.00006 and 0.00009; TOPMed 0.00006; ESP Exome Variant Server 0.00016.
gnomAD v4.1: 141 of 1,613,984 alleles (0.0087%); highest among the groups gnomAD compares: Non-Finnish European, 0.011%; no homozygotes.

Submissions (8):

Molecular Diagnostic Laboratory for Inherited Cardiovascular Disease, Montreal Heart Institute
Classification: Likely benign. Last evaluated: 2025-04-09. Review status: criteria provided, single submitter. Criteria: ACMG Guidelines, 2015. Collection method: clinical testing. Allele origin: germline. Affected: no.

Blueprint Genetics
Classification: Likely benign. Last evaluated: 2024-07-24. Review status: criteria provided, single submitter. Criteria: ACMG Guidelines, 2015. Collection method: clinical testing. Allele origin: germline.

CeGaT Center for Human Genetics Tuebingen
Classification: Uncertain significance. Last evaluated: 2024-07-01. Review status: criteria provided, single submitter. Criteria: CeGaT Center For Human Genetics Tuebingen Variant Classification Criteria Version 2. Collection method: clinical testing. Allele origin: germline. Affected: yes. Observed: 1 variant allele.
Comment: TTN: PM2:Supporting

Revvity Omics, Revvity
Classification: Uncertain significance. Last evaluated: 2021-05-21. Review status: criteria provided, single submitter. Criteria: ACMG Guidelines, 2015. Collection method: clinical testing. Allele origin: germline.

GeneDx
Classification: Likely benign. Last evaluated: 2021-04-29. Review status: criteria provided, single submitter. Criteria: GeneDx Variant Classification Process June 2021. Collection method: clinical testing. Allele origin: germline. Affected: yes.

CHEO Genetics Diagnostic Laboratory, Children's Hospital of Eastern Ontario
Classification: Uncertain significance for Cardiomyopathy. Last evaluated: 2018-06-11. Review status: criteria provided, single submitter. Criteria: ACMG Guidelines, 2015. Collection method: clinical testing. Allele origin: germline.

Eurofins Ntd Llc (ga)
Classification: Uncertain significance. Last evaluated: 2017-11-22. Review status: criteria provided, single submitter. Criteria: EGL Classification Definitions 2015. Collection method: clinical testing. Allele origin: germline. Observed: 1 variant allele, 1 heterozygote.

Labcorp Genetics (formerly Invitae), Labcorp
Classification: Uncertain significance for Dilated cardiomyopathy 1G; Autosomal recessive limb-girdle muscular dystrophy type 2J. Last evaluated: 2016-04-29. Review status: criteria provided, single submitter. Criteria: Invitae Variant Classification Sherloc (09022015). Collection method: clinical testing. Allele origin: germline.